The following is an entry in ClinVar:

NM_000088.4(COL1A1):c.4100C>A (p.Thr1367Asn)

Gene: COL1A1 (collagen type I alpha 1 chain; minus strand). Cytogenetic location: 17q21.33.
Variant type: single nucleotide variant.
Coding change: c.4100C>A on transcript NM_000088.4 (MANE Select); coding-DNA position 4100, C replaced by A.
Protein change: p.Thr1367Asn; replaces threonine 1367 with asparagine.
Molecular consequence: missense variant.
Genome position (GRCh38, 1-based): chr17:50,185,926, G>T on the plus strand (C>A on the coding strand, the complement: COL1A1 is on the minus strand). VCF-style: chr17-50185926-G-T. GRCh37 (hg19) VCF-style: chr17-48263287-G-T.
Other names: p.Thr1367Asn; short protein forms T1367N.
Identifiers: ClinVar variation 1312135 (VCV001312135.9), dbSNP rs2144532190, ClinGen allele CA400192276.

ClinVar aggregate classification (germline): Conflicting classifications of pathogenicity. Review status: criteria provided, conflicting classifications (1 of 4 stars). 3 submissions from 3 submitters: Pathogenic (1); Likely pathogenic (1); Uncertain significance (1). Last evaluated 2025-05-16.

Conditions:
Osteogenesis imperfecta type I (OI1). Also called: Classic Non-deforming Osteogenesis Imperfecta with Blue Sclerae; Osteogenesis imperfecta type 1; OI, TYPE I; OSTEOGENESIS IMPERFECTA TARDA; OSTEOGENESIS IMPERFECTA WITH BLUE SCLERAE; Lobstein's Disease. Identifiers: Orphanet 216796, Orphanet 666, MedGen C0023931, MONDO:0008146, OMIM 166200. Disease mechanism: loss of function.

Submissions (3):

Mayo Clinic Laboratories, Mayo Clinic
Classification: Likely pathogenic. Last evaluated: 2025-05-16. Review status: criteria provided, single submitter. Criteria: ACMG Guidelines, 2015. Collection method: clinical testing. Allele origin: germline. Observed: 1 variant allele.
Comment: PP1, PP2, PP3, PM2_supporting, PS4_moderate

Labcorp Genetics (formerly Invitae), Labcorp
Classification: Pathogenic for Osteogenesis imperfecta type I. Last evaluated: 2021-11-27. Review status: criteria provided, single submitter. Criteria: Invitae Variant Classification Sherloc (09022015). Collection method: clinical testing. Allele origin: germline.
Comment: For these reasons, this variant has been classified as Pathogenic. Advanced modeling of protein sequence and biophysical properties (such as structural, functional, and spatial information, amino acid conservation, physicochemical variation, residue mobility, and thermodynamic stability) performed at Invitae indicates that this missense variant is expected to disrupt COL1A1 protein function. ClinVar contains an entry for this variant (Variation ID: 1312135). This missense change has been observed in individual(s) with clinical features of osteogenesis imperfecta (PMID: 32595695; Invitae). This variant is not present in population databases (gnomAD no frequency). This sequence change replaces threonine, which is neutral and polar, with asparagine, which is neutral and polar, at codon 1367 of the COL1A1 protein (p.Thr1367Asn).

GeneDx
Classification: Uncertain significance. Last evaluated: 2019-09-12. Review status: criteria provided, single submitter. Criteria: GeneDx Variant Classification Process June 2021. Collection method: clinical testing. Allele origin: germline. Affected: yes.
Comment: Not observed in large population cohorts (Lek et al., 2016); In silico analysis, which includes protein predictors and evolutionary conservation, supports a deleterious effect; Has not been previously published as pathogenic or benign to our knowledge; This variant is associated with the following publications: (PMID: 32595695)

Literature cited by the submitters: PubMed 32595695 (cited by Mayo Clinic Laboratories, Mayo Clinic and Labcorp Genetics (formerly Invitae), Labcorp).